The following is an entry in ClinVar:

ClinVar aggregate classification (germline): Uncertain significance (1 of 4 stars; one submission).

Conditions:
Idiopathic generalized epilepsy. Also called: EIG; Generalised epilepsy. Identifiers: MedGen C0270850, MONDO:0005579, OMIM 600669.

gnomAD v4.1: 1 of 1,613,902 alleles (0.000062%); highest among the groups gnomAD compares: Non-Finnish European, 0.000085%; no homozygotes.

Submission:

Labcorp Genetics (formerly Invitae), Labcorp
Classification: Uncertain significance for Idiopathic generalized epilepsy. Last evaluated: 2025-04-08. Review status: criteria provided, single submitter. Criteria: Invitae Variant Classification Sherloc (09022015). Collection method: clinical testing. Allele origin: germline.
Comment: This sequence change replaces aspartic acid, which is acidic and polar, with glutamic acid, which is acidic and polar, at codon 361 of the RBFOX1 protein (p.Asp361Glu). This variant is not present in population databases (gnomAD no frequency). This variant has not been reported in the literature in individuals affected with RBFOX1-related conditions. Invitae Evidence Modeling of protein sequence and biophysical properties (such as structural, functional, and spatial information, amino acid conservation, physicochemical variation, residue mobility, and thermodynamic stability) indicates that this missense variant is not expected to disrupt RBFOX1 protein function with a negative predictive value of 80%. In summary, the available evidence is currently insufficient to determine the role of this variant in disease. Therefore, it has been classified as a Variant of Uncertain Significance.

NM_018723.4(RBFOX1):c.1020C>G (p.Asp340Glu)

Genes: RBFOX1 (RNA binding fox-1 homolog 1; plus strand), LOC126862279 (MED14-independent group 3 enhancer GRCh37_chr16:7758954-7760153; plus strand). Cytogenetic location: 16p13.3.
Variant type: single nucleotide variant.
Coding change: c.1020C>G on transcript NM_018723.4 (MANE Select); coding-DNA position 1020, C replaced by G.
Protein change: p.Asp340Glu; replaces aspartic acid 340 with glutamic acid.
Molecular consequence: missense variant.
Genome position (GRCh38, 1-based): chr16:7,709,080, C>G. VCF-style: chr16-7709080-C-G. GRCh37 (hg19) VCF-style: chr16-7759082-C-G.
Other names: c.939C>G, p.Asp313Glu (NM_001142333.2); c.1020C>G, p.Asp340Glu (NM_001142334.2); c.1149C>G, p.Asp383Glu (NM_001308117.1, NM_001415891.1); c.1073C>G, p.Thr358Ser (NM_001364800.2); c.1202C>G, p.Thr401Ser (NM_001411047.1, NM_001415895.1); c.1670C>G, p.Thr557Ser (NM_001415887.1); c.1536C>G, p.Asp512Glu (NM_001415888.1); c.1181C>G, p.Thr394Ser (NM_001415889.1, NM_001415898.1); and 23 more; short protein forms D356E, T356S, T370S, T379S, D512E, T358S, T383S, T401S.
Identifiers: ClinVar variation 4738951 (VCV004738951.1).
Genomic context (GRCh38, chr16:7,709,080, plus strand): 5'-ACTGTGGATCAATCTTCACCTCTATTTTCCTTTCAGTTACGGACGAGTTTATGCTGCCGA[C>G]CCCTACCACCACGCACTTGCTCCAGCCCCCACCTACGGCGTTGGTGCCATGGTGAGTACA-3'
Protein context (NP_061193.2, residues 330-350): SDSYGRVYAA[Asp340Glu]PYHHALAPAP